The following is an entry in ClinVar:

ClinVar aggregate classification (germline): Uncertain significance (1 of 4 stars; one submission).

Conditions:
FG syndrome (FGS). Identifiers: MedGen C0220769, MONDO:0002010.

Submission:

Labcorp Genetics (formerly Invitae), Labcorp
Classification: Uncertain significance for FG syndrome. Last evaluated: 2021-02-21. Review status: criteria provided, single submitter. Criteria: Invitae Variant Classification Sherloc (09022015). Collection method: clinical testing. Allele origin: germline.
Comment: Algorithms developed to predict the effect of missense changes on protein structure and function are either unavailable or do not agree on the potential impact of this missense change (SIFT: "Deleterious"; PolyPhen-2: "Possibly Damaging"; Align-GVGD: "Class C0"). This variant has not been reported in the literature in individuals with MED12-related conditions. This variant is not present in population databases (ExAC no frequency). This sequence change replaces alanine with threonine at codon 156 of the MED12 protein (p.Ala156Thr). The alanine residue is highly conserved and there is a small physicochemical difference between alanine and threonine. In summary, the available evidence is currently insufficient to determine the role of this variant in disease. Therefore, it has been classified as a Variant of Uncertain Significance.

NM_005120.3(MED12):c.466G>A (p.Ala156Thr)

Gene: MED12 (mediator complex subunit 12; plus strand). Cytogenetic location: Xq13.1.
Variant type: single nucleotide variant.
Coding change: c.466G>A on transcript NM_005120.3 (MANE Select); coding-DNA position 466, G replaced by A.
Protein change: p.Ala156Thr; replaces alanine 156 with threonine.
Molecular consequence: missense variant.
Genome position (GRCh38, 1-based): chrX:71,120,083, G>A. VCF-style: chrX-71120083-G-A. GRCh37 (hg19) VCF-style: chrX-70339933-G-A.
Other names: short protein forms A156T.
Identifiers: ClinVar variation 1374858 (VCV001374858.8), dbSNP rs2147774436, ClinGen allele CA413499990.